The following is an entry in ClinVar:

NM_012469.4(PRPF6):c.2059G>A (p.Val687Met)

Gene: PRPF6 (pre-mRNA processing factor 6; plus strand). Cytogenetic location: 20q13.33.
Variant type: single nucleotide variant.
Coding change: c.2059G>A on transcript NM_012469.4 (MANE Select); coding-DNA position 2059, G replaced by A.
Protein change: p.Val687Met; replaces valine 687 with methionine.
Molecular consequence: missense variant.
Genome position (GRCh38, 1-based): chr20:64,027,012, G>A. VCF-style: chr20-64027012-G-A. GRCh37 (hg19) VCF-style: chr20-62658365-G-A.
Other names: short protein forms V687M.
Identifiers: ClinVar variation 1960240 (VCV001960240.5), dbSNP rs1254132782, ClinGen allele CA409739438.

ClinVar aggregate classification (germline): Uncertain significance (1 of 4 stars; one submission).

Allele frequency attached by ClinVar (database versions not stated): TOPMed below 0.00001.
gnomAD v4.1: 5 of 1,613,890 alleles (0.00031%); highest among the groups gnomAD compares: African/African-American, 0.004%; no homozygotes.

Submission:

Labcorp Genetics (formerly Invitae), Labcorp
Classification: Uncertain significance. Last evaluated: 2022-09-07. Review status: criteria provided, single submitter. Criteria: Invitae Variant Classification Sherloc (09022015). Collection method: clinical testing. Allele origin: germline.
Comment: This variant has not been reported in the literature in individuals affected with PRPF6-related conditions. Algorithms developed to predict the effect of missense changes on protein structure and function are either unavailable or do not agree on the potential impact of this missense change (SIFT: "Tolerated"; PolyPhen-2: "Possibly Damaging"; Align-GVGD: "Class C0"). In summary, the available evidence is currently insufficient to determine the role of this variant in disease. Therefore, it has been classified as a Variant of Uncertain Significance. This variant is present in population databases (no rsID available, gnomAD 0.008%). This sequence change replaces valine, which is neutral and non-polar, with methionine, which is neutral and non-polar, at codon 687 of the PRPF6 protein (p.Val687Met).